The following is an entry in ClinVar:

NM_002335.4(LRP5):c.3297C>G (p.Asp1099Glu)

Gene: LRP5 (LDL receptor related protein 5; plus strand). Cytogenetic location: 11q13.2.
Variant type: single nucleotide variant.
Coding change: c.3297C>G on transcript NM_002335.4 (MANE Select); coding-DNA position 3297, C replaced by G.
Protein change: p.Asp1099Glu; replaces aspartic acid 1099 with glutamic acid.
Molecular consequence: missense variant.
Genome position (GRCh38, 1-based): chr11:68,425,162, C>G. VCF-style: chr11-68425162-C-G. GRCh37 (hg19) VCF-style: chr11-68192630-C-G.
Other names: c.1554C>G, p.Asp518Glu (NM_001291902.2); short protein forms D1099E, D518E.
Identifiers: ClinVar variation 2024161 (VCV002024161.4), dbSNP rs17149104, ClinGen allele CA381621396.

ClinVar aggregate classification (germline): Uncertain significance (1 of 4 stars; one submission).

gnomAD v4.1: 2 of 1,613,550 alleles (0.00012%); highest among the groups gnomAD compares: African/African-American, 0.0027%; no homozygotes.

Submission:

Labcorp Genetics (formerly Invitae), Labcorp
Classification: Uncertain significance. Last evaluated: 2021-12-02. Review status: criteria provided, single submitter. Criteria: Invitae Variant Classification Sherloc (09022015). Collection method: clinical testing. Allele origin: germline.
Comment: In summary, the available evidence is currently insufficient to determine the role of this variant in disease. Therefore, it has been classified as a Variant of Uncertain Significance. Advanced modeling of protein sequence and biophysical properties (such as structural, functional, and spatial information, amino acid conservation, physicochemical variation, residue mobility, and thermodynamic stability) performed at Invitae indicates that this missense variant is expected to disrupt LRP5 protein function. This variant has not been reported in the literature in individuals affected with LRP5-related conditions. This variant is present in population databases (no rsID available, gnomAD 0.03%). This sequence change replaces aspartic acid, which is acidic and polar, with glutamic acid, which is acidic and polar, at codon 1099 of the LRP5 protein (p.Asp1099Glu).